The following is an entry in ClinVar:

NM_006944.3(SPP2):c.487A>G (p.Asn163Asp)

Gene: SPP2 (secreted phosphoprotein 2; plus strand). Cytogenetic location: 2q37.1.
Variant type: single nucleotide variant.
Coding change: c.487A>G on transcript NM_006944.3 (MANE Select); coding-DNA position 487, A replaced by G.
Protein change: p.Asn163Asp; replaces asparagine 163 with aspartic acid.
Molecular consequence: missense variant.
Genome position (GRCh38, 1-based): chr2:234,066,575, A>G. VCF-style: chr2-234066575-A-G. GRCh37 (hg19) VCF-style: chr2-234975219-A-G.
Other names: short protein forms N163D.
Identifiers: ClinVar variation 1034813 (VCV001034813.9), dbSNP rs1376035537, ClinGen allele CA351104882.
Genomic context (GRCh38, chr2:234,066,575, plus strand): 5'-ATGCCTGAATTTCTTTAGATGATTTTTGGGGACATGTTGGGATCTCATAAATGGAGAAAC[A>G]ATTATCTATTTGGTAAGTTAAGATCTGTTCTTTTTAACTTTTTTTCTTAAAATAACTCCA-3'
Protein context (NP_008875.1, residues 153-173): DMLGSHKWRN[Asn163Asp]YLFGLISDES

ClinVar aggregate classification (germline): Uncertain significance. Review status: criteria provided, multiple submitters, no conflicts (2 of 4 stars). 2 submissions from 2 submitters: Uncertain significance (2). Last evaluated 2022-07-14.

Allele frequency attached by ClinVar (database versions not stated): gnomAD exomes below 0.00001 and 0.00001.
gnomAD v4.1: 2 of 1,611,830 alleles (0.00012%); highest among the groups gnomAD compares: Admixed American, 0.0033%; no homozygotes.

Submissions (2):

Labcorp Genetics (formerly Invitae), Labcorp
Classification: Uncertain significance. Last evaluated: 2022-07-14. Review status: criteria provided, single submitter. Criteria: Invitae Variant Classification Sherloc (09022015). Collection method: clinical testing. Allele origin: germline.
Comment: ClinVar contains an entry for this variant (Variation ID: 1034813). In summary, the available evidence is currently insufficient to determine the role of this variant in disease. Therefore, it has been classified as a Variant of Uncertain Significance. Algorithms developed to predict the effect of missense changes on protein structure and function output the following: SIFT: "Tolerated"; PolyPhen-2: "Benign"; Align-GVGD: "Class C0". The aspartic acid amino acid residue is found in multiple mammalian species, which suggests that this missense change does not adversely affect protein function. This variant has not been reported in the literature in individuals affected with SPP2-related conditions. This variant is present in population databases (no rsID available, gnomAD 0.006%). This sequence change replaces asparagine, which is neutral and polar, with aspartic acid, which is acidic and polar, at codon 163 of the SPP2 protein (p.Asn163Asp).

Blueprint Genetics
Classification: Uncertain significance. Last evaluated: 2022-04-19. Review status: criteria provided, single submitter. Criteria: ACMG Guidelines, 2015. Collection method: clinical testing. Allele origin: germline.